The following is an entry in ClinVar:

NM_014727.3(KMT2B):c.2511C>T (p.Ser837=)

Gene: KMT2B (lysine methyltransferase 2B; plus strand). Cytogenetic location: 19q13.12.
Variant type: single nucleotide variant.
Coding change: c.2511C>T on transcript NM_014727.3 (MANE Select); coding-DNA position 2511, C replaced by T.
Protein change: p.Ser837=; no amino-acid change (serine 837 retained).
Molecular consequence: synonymous variant.
Genome position (GRCh38, 1-based): chr19:35,722,412, C>T. VCF-style: chr19-35722412-C-T. GRCh37 (hg19) VCF-style: chr19-36213314-C-T.
Identifiers: ClinVar variation 3699905 (VCV003699905.15).

ClinVar aggregate classification (germline): Likely benign. Review status: criteria provided, multiple submitters, no conflicts (2 of 4 stars). 2 submissions from 2 submitters: Likely benign (2). Last evaluated 2024-12-01.

gnomAD v4.1: 8 of 1,610,936 alleles (0.0005%); highest among the groups gnomAD compares: Middle Eastern, 0.033%; no homozygotes.

Submissions (2):

CeGaT Center for Human Genetics Tuebingen
Classification: Likely benign. Last evaluated: 2024-12-01. Review status: criteria provided, single submitter. Criteria: CeGaT Center For Human Genetics Tuebingen Variant Classification Criteria Version 2. Collection method: clinical testing. Allele origin: germline. Affected: yes. Observed: 1 variant allele.
Comment: KMT2B: BP4, BP7

Labcorp Genetics (formerly Invitae), Labcorp
Classification: Likely benign. Last evaluated: 2024-09-12. Review status: criteria provided, single submitter. Criteria: Invitae Variant Classification Sherloc (09022015). Collection method: clinical testing. Allele origin: germline.